The following is an entry in ClinVar:

ClinVar aggregate classification (germline): Uncertain significance (1 of 4 stars; one submission).

gnomAD v4.1: 552 of 1,443,054 alleles (0.038%); highest among the groups gnomAD compares: Non-Finnish European, 0.049%; 1 homozygote.

Submission:

Centre of Medical Genetics, University Hospital Muenster
Classification: Uncertain significance. Last evaluated: 2025-07-31. Review status: criteria provided, single submitter. Criteria: ACMG Guidelines, 2015. Collection method: clinical testing. Allele origin: unknown. Affected: yes. Observed: 1 variant allele, 1 heterozygote.
Comment: ACMG categories: PM2_sup,BP4

NM_016474.5(CCDC174):c.249-76C>T

Gene: CCDC174 (coiled-coil domain containing 174; plus strand). Cytogenetic location: 3p25.1.
Variant type: single nucleotide variant.
Coding change: c.249-76C>T on transcript NM_016474.5 (MANE Select); 76 bases into the intron before coding-DNA position 249, C replaced by T.
Molecular consequence: intron variant.
Genome position (GRCh38, 1-based): chr3:14,658,795, C>T. VCF-style: chr3-14658795-C-T. GRCh37 (hg19) VCF-style: chr3-14700302-C-T.
Other names: c.249-76C>T (NM_001410719.1).
Identifiers: ClinVar variation 4526366 (VCV004526366.1), dbSNP rs758883419.